The following is an entry in ClinVar:

NM_005883.3(APC2):c.4904C>G (p.Ser1635Trp)

Gene: APC2 (APC regulator of Wnt signaling pathway 2; plus strand). Cytogenetic location: 19p13.3.
Variant type: single nucleotide variant.
Coding change: c.4904C>G on transcript NM_005883.3 (MANE Select); coding-DNA position 4904, C replaced by G.
Protein change: p.Ser1635Trp; replaces serine 1635 with tryptophan.
Molecular consequence: missense variant.
Genome position (GRCh38, 1-based): chr19:1,468,205, C>G. VCF-style: chr19-1468205-C-G. GRCh37 (hg19) VCF-style: chr19-1468204-C-G.
Other names: c.4901C>G, p.Ser1634Trp (NM_001351273.1); short protein forms S1634W, S1635W.
Identifiers: ClinVar variation 4681073 (VCV004681073.1).

ClinVar aggregate classification (germline): Uncertain significance (1 of 4 stars; one submission).

gnomAD v4.1: 4 of 1,464,538 alleles (0.00027%); highest among the groups gnomAD compares: Non-Finnish European, 0.00036%; no homozygotes.

Submission:

GeneDx
Classification: Uncertain significance. Last evaluated: 2025-07-03. Review status: criteria provided, single submitter. Criteria: GeneDx Variant Classification Process June 2021. Collection method: clinical testing. Allele origin: germline. Affected: yes.
Comment: Not observed at significant frequency in large population cohorts (gnomAD); In silico analysis supports that this missense variant has a deleterious effect on protein structure/function; Has not been previously published as pathogenic or benign to our knowledge